The following is an entry in ClinVar:

ClinVar aggregate classification (germline): Pathogenic/Likely pathogenic. Review status: criteria provided, multiple submitters, no conflicts (2 of 4 stars). 2 submissions from 2 submitters: Pathogenic (1); Likely pathogenic (1). Last evaluated 2025-10-20.

Conditions:
Hereditary spastic paraplegia 63. Also called: Spastic paraplegia 63, autosomal recessive. Identifiers: Orphanet 401805, MedGen C3810295, MONDO:0014305, OMIM 615686.
Pontocerebellar hypoplasia type 9. Identifiers: Orphanet 369920, MedGen C4014354, MONDO:0014351, OMIM 615809.
Inborn genetic diseases. Identifiers: MedGen C0950123, MeSH D030342.

Allele frequency attached by ClinVar (database versions not stated): TOPMed below 0.00001; gnomAD exomes below 0.00001.
gnomAD v4.1: 2 of 1,614,120 alleles (0.00012%); highest among the groups gnomAD compares: Non-Finnish European, 0.00017%; no homozygotes.

Submissions (2):

Labcorp Genetics (formerly Invitae), Labcorp
Classification: Pathogenic for Pontocerebellar hypoplasia type 9; Hereditary spastic paraplegia 63. Last evaluated: 2025-10-20. Review status: criteria provided, single submitter. Criteria: Invitae Variant Classification Sherloc (09022015). Collection method: clinical testing. Allele origin: germline.
Comment: This sequence change affects a donor splice site in intron 14 of the AMPD2 gene. It is expected to disrupt RNA splicing. Variants that disrupt the donor or acceptor splice site typically lead to a loss of protein function (PMID: 16199547), and loss-of-function variants in AMPD2 are known to be pathogenic (PMID: 23911318). This variant is not present in population databases (gnomAD no frequency). Disruption of this splice site has been observed in individual(s) with AMPD2-related conditions (internal data). In at least one individual the data is consistent with being in trans (on the opposite chromosome) from a pathogenic variant. ClinVar contains an entry for this variant (Variation ID: 1508575). Algorithms developed to predict the effect of sequence changes on RNA splicing suggest that this variant may disrupt the consensus splice site. For these reasons, this variant has been classified as Pathogenic.

Ambry Genetics
Classification: Likely pathogenic for Inborn genetic diseases. Last evaluated: 2025-10-16. Review status: criteria provided, single submitter. Criteria: Ambry Variant Classification Scheme 2023. Collection method: clinical testing. Allele origin: germline.
Comment: The c.1860+1G>A intronic variant consists of a G to A substitution one nucleotide after exon 13 (coding exon 13) of the AMPD2 gene. Alterations that disrupt the canonical splice site are expected to cause aberrant splicing, resulting in an abnormal protein or a transcript that is subject to nonsense-mediated mRNA decay. This variant was not reported in population-based cohorts in the Genome Aggregation Database (gnomAD). This nucleotide position is highly conserved in available vertebrate species. In silico splice site analysis predicts that this alteration will weaken the native splice donor site and will result in the creation or strengthening of a novel splice donor site. Based on the available evidence, this alteration is classified as likely pathogenic.

Literature cited by the submitters: PubMed 16199547 (cited by Labcorp Genetics (formerly Invitae), Labcorp); PubMed 23911318 (cited by Labcorp Genetics (formerly Invitae), Labcorp).

NM_001368809.2(AMPD2):c.1698+1G>A

Genes: AMPD2 (adenosine monophosphate deaminase 2; plus strand), LOC126805822 (BRD4-independent group 4 enhancer GRCh37_chr1:110170748-110171947; plus strand). Cytogenetic location: 1p13.3.
Variant type: single nucleotide variant.
Coding change: c.1698+1G>A on transcript NM_001368809.2 (MANE Select); the canonical splice donor site of the intron after coding-DNA position 1698, G replaced by A.
Molecular consequence: splice donor variant.
Genome position (GRCh38, 1-based): chr1:109,629,236, G>A. VCF-style: chr1-109629236-G-A. GRCh37 (hg19) VCF-style: chr1-110171858-G-A.
Other names: c.1617+1G>A (NM_139156.4); c.1635+1G>A (NM_001308170.1); c.1698+1G>A (NM_004037.9); c.1506+1G>A (NM_001257361.2); c.1860+1G>A (NM_004037.6).
Identifiers: ClinVar variation 1508575 (VCV001508575.9), dbSNP rs1650988132, ClinGen allele CA341559668.